The following is an entry in ClinVar:

NM_004204.5(PIGQ):c.*383G>A

Gene: PIGQ (phosphatidylinositol glycan anchor biosynthesis class Q; plus strand). Cytogenetic location: 16p13.3.
Variant type: single nucleotide variant.
Coding change: c.*383G>A on transcript NM_004204.5 (MANE Select); 383 bases downstream of the stop codon, G replaced by A.
Molecular consequence: 3 prime UTR variant. On other transcripts: synonymous variant (1).
Genome position (GRCh38, 1-based): chr16:583,418, G>A. VCF-style: chr16-583418-G-A. GRCh37 (hg19) VCF-style: chr16-633418-G-A.
Other names: c.2067G>A, p.Gly689= (NM_148920.4).
Identifiers: ClinVar variation 3344517 (VCV003344517.1).

ClinVar aggregate classification (germline): Likely benign (0 of 4 stars; one submission).

Conditions:
PIGQ-related disorder. Also called: PIGQ-related condition.

Submission:

PreventionGenetics, part of Exact Sciences
Classification: Likely benign for PIGQ-related condition. Last evaluated: 2024-08-22. Review status: no assertion criteria provided. Collection method: clinical testing. Allele origin: germline.
Comment: This variant is classified as likely benign based on ACMG/AMP sequence variant interpretation guidelines (Richards et al. 2015 PMID: 25741868, with internal and published modifications).